The following is an entry in ClinVar:

ClinVar aggregate classification (germline): Uncertain significance (1 of 4 stars; one submission).

gnomAD v4.1: 1 of 1,614,224 alleles (0.000062%); highest among the groups gnomAD compares: Non-Finnish European, 0.000085%; no homozygotes.

Submission:

Labcorp Genetics (formerly Invitae), Labcorp
Classification: Uncertain significance. Last evaluated: 2024-04-02. Review status: criteria provided, single submitter. Criteria: Invitae Variant Classification Sherloc (09022015). Collection method: clinical testing. Allele origin: germline.
Comment: This sequence change replaces arginine, which is basic and polar, with glycine, which is neutral and non-polar, at codon 67 of the LAMA1 protein (p.Arg67Gly). This variant is not present in population databases (gnomAD no frequency). This variant has not been reported in the literature in individuals affected with LAMA1-related conditions. An algorithm developed to predict the effect of missense changes on protein structure and function (PolyPhen-2) suggests that this variant is likely to be disruptive. In summary, the available evidence is currently insufficient to determine the role of this variant in disease. Therefore, it has been classified as a Variant of Uncertain Significance.

NM_005559.4(LAMA1):c.199C>G (p.Arg67Gly)

Gene: LAMA1 (laminin subunit alpha 1; minus strand). Cytogenetic location: 18p11.31.
Variant type: single nucleotide variant.
Coding change: c.199C>G on transcript NM_005559.4 (MANE Select); coding-DNA position 199, C replaced by G.
Protein change: p.Arg67Gly; replaces arginine 67 with glycine.
Molecular consequence: missense variant.
Genome position (GRCh38, 1-based): chr18:7,080,320, G>C on the plus strand (C>G on the coding strand, the complement: LAMA1 is on the minus strand). VCF-style: chr18-7080320-G-C. GRCh37 (hg19) VCF-style: chr18-7080319-G-C.
Other names: short protein forms R67G.
Identifiers: ClinVar variation 3693853 (VCV003693853.2).